The following is an entry in ClinVar:

NM_000038.6(APC):c.6827C>T (p.Pro2276Leu)

Gene: APC (APC regulator of Wnt signaling pathway; plus strand). Cytogenetic location: 5q22.2.
Variant type: single nucleotide variant.
Coding change: c.6827C>T on transcript NM_000038.6 (MANE Select); coding-DNA position 6827, C replaced by T.
Protein change: p.Pro2276Leu; replaces proline 2276 with leucine.
Molecular consequence: missense variant.
Genome position (GRCh38, 1-based): chr5:112,842,421, C>T. VCF-style: chr5-112842421-C-T. GRCh37 (hg19) VCF-style: chr5-112178118-C-T.
Other names: c.6827C>T, p.Pro2276Leu (NM_001354895.2, NM_001127510.3); c.6881C>T, p.Pro2294Leu (NM_001354896.2); c.6857C>T, p.Pro2286Leu (NM_001354897.2); c.6752C>T, p.Pro2251Leu (NM_001354898.2); c.6743C>T, p.Pro2248Leu (NM_001354899.2); c.6704C>T, p.Pro2235Leu (NM_001354900.2); c.6650C>T, p.Pro2217Leu (NM_001354901.2); c.6554C>T, p.Pro2185Leu (NM_001354902.2); and 5 more; short protein forms P2217L, P2248L, P2235L, P2276L, P2286L, P1993L, P2116L, P2150L.
Identifiers: ClinVar variation 1476518 (VCV001476518.8), dbSNP rs2149974152, ClinGen allele CA16036237.
Genomic context (GRCh38, chr5:112,842,421, plus strand): 5'-CAGCCTCCAAAAGCCCTAGTGAAGGTCAAACAGCCACCACTTCTCCTAGAGGAGCCAAGC[C>T]ATCTGTGAAATCAGAATTAAGCCCTGTTGCCAGGCAGACATCCCAAATAGGTGGGTCAAG-3'
Protein context (NP_000029.2, residues 2266-2286): TATTSPRGAK[Pro2276Leu]SVKSELSPVA

ClinVar aggregate classification (germline): Uncertain significance (1 of 4 stars; one submission).

Conditions:
Familial adenomatous polyposis 1 (FAP1). Also called: FAMILIAL ADENOMATOUS POLYPOSIS 1, ATTENUATED; POLYPOSIS, ADENOMATOUS INTESTINAL. Identifiers: MedGen C2713442, MONDO:0021056, OMIM 175100. Disease mechanism: loss of function.

Submission:

Labcorp Genetics (formerly Invitae), Labcorp
Classification: Uncertain significance for Familial adenomatous polyposis 1. Last evaluated: 2023-05-11. Review status: criteria provided, single submitter. Criteria: Invitae Variant Classification Sherloc (09022015). Collection method: clinical testing. Allele origin: germline.
Comment: Advanced modeling of protein sequence and biophysical properties (such as structural, functional, and spatial information, amino acid conservation, physicochemical variation, residue mobility, and thermodynamic stability) performed at Invitae indicates that this missense variant is not expected to disrupt APC protein function. This sequence change replaces proline, which is neutral and non-polar, with leucine, which is neutral and non-polar, at codon 2276 of the APC protein (p.Pro2276Leu). This variant is not present in population databases (gnomAD no frequency). This variant has not been reported in the literature in individuals affected with APC-related conditions. ClinVar contains an entry for this variant (Variation ID: 1476518). In summary, the available evidence is currently insufficient to determine the role of this variant in disease. Therefore, it has been classified as a Variant of Uncertain Significance.